The following is an entry in ClinVar:

NM_030777.4(SLC2A10):c.1154C>G (p.Ala385Gly)

Gene: SLC2A10 (solute carrier family 2 member 10; plus strand). Cytogenetic location: 20q13.12.
Variant type: single nucleotide variant.
Coding change: c.1154C>G on transcript NM_030777.4 (MANE Select); coding-DNA position 1154, C replaced by G.
Protein change: p.Ala385Gly; replaces alanine 385 with glycine.
Molecular consequence: missense variant.
Genome position (GRCh38, 1-based): chr20:46,726,190, C>G. VCF-style: chr20-46726190-C-G. GRCh37 (hg19) VCF-style: chr20-45354829-C-G.
Other names: p.A385G:GCC>GGC; p.Ala385Gly; short protein forms A385G.
Identifiers: ClinVar variation 139174 (VCV000139174.34), dbSNP rs79849424, ClinGen allele CA293551.

ClinVar aggregate classification (germline): Benign. Review status: criteria provided, multiple submitters, no conflicts (2 of 4 stars). 14 submissions from 14 submitters: Benign (12). 2 of the submissions do not count toward it. Last evaluated 2026-02-04.

Conditions:
Familial thoracic aortic aneurysm and aortic dissection (TAAD). Also called: Thoracic aortic aneurysms and dissections. Identifiers: Orphanet 91387, MedGen C4707243, MONDO:0019625.
Arterial tortuosity syndrome (ATORS). Identifiers: Orphanet 3342, MedGen C1859726, MONDO:0008818, OMIM 208050.

Allele frequency attached by ClinVar (database versions not stated): ExAC 0.01343; ESP Exome Variant Server 0.01730; gnomAD 0.01835 and 0.01879; TOPMed 0.01951; 1000 Genomes Project 30x 0.02858; 1000 Genomes Project 0.02895; gnomAD exomes 0.01137.
gnomAD v4.1: 11,427 of 1,614,230 alleles (0.71%); highest among the groups gnomAD compares: African/African-American, 5.7%; 321 homozygotes.

Submissions (14):

Labcorp Genetics (formerly Invitae), Labcorp
Classification: Benign for Arterial tortuosity syndrome. Last evaluated: 2026-02-04. Review status: criteria provided, single submitter. Criteria: Invitae Variant Classification Sherloc (09022015). Collection method: clinical testing. Allele origin: germline.

Molecular Diagnostic Laboratory for Inherited Cardiovascular Disease, Montreal Heart Institute
Classification: Benign. Last evaluated: 2025-07-24. Review status: criteria provided, single submitter. Criteria: ACMG Guidelines, 2015. Collection method: clinical testing. Allele origin: germline. Affected: no.
Comment: BA1

ARUP Laboratories, Molecular Genetics and Genomics, ARUP Laboratories
Classification: Benign for Arterial tortuosity syndrome. Last evaluated: 2023-10-19. Review status: criteria provided, single submitter. Criteria: ARUP Molecular Germline Variant Investigation Process 2024. Collection method: clinical testing. Allele origin: germline.

CHEO Genetics Diagnostic Laboratory, Children's Hospital of Eastern Ontario
Classification: Benign for Familial thoracic aortic aneurysm and aortic dissection. Last evaluated: 2022-11-17. Review status: criteria provided, single submitter. Criteria: ACMG Guidelines, 2015. Collection method: clinical testing. Allele origin: germline.

Women's Health and Genetics/Laboratory Corporation of America, LabCorp
Classification: Benign. Last evaluated: 2019-08-19. Review status: criteria provided, single submitter. Criteria: LabCorp Variant Classification Summary - May 2015. Collection method: clinical testing. Allele origin: germline.
Comment: Variant summary: SLC2A10 c.1154C>G (p.Ala385Gly) results in a non-conservative amino acid change located in the Major facilitator superfamily domain (IPR020846) of the encoded protein sequence. Four of five in-silico tools predict a benign effect of the variant on protein function. The variant allele was found at a frequency of 0.011 in 251270 control chromosomes in the gnomAD database, including 81 homozygotes. The observed variant frequency is approximately 7.0 fold of the estimated maximal expected allele frequency for a pathogenic variant in SLC2A10 causing Aortopathy phenotype (0.0016), strongly suggesting that the variant is benign. To our knowledge, no occurrence of c.1154C>G in individuals affected with Aortopathy and no experimental evidence demonstrating its impact on protein function have been reported. Co-occurrences with other pathogenic variant(s) have been reported at our laboratory (FBN1 c.349C>T, p.Q117*), providing supporting evidence for a benign role. Four clinical diagnostic laboratories have submitted clinical-significance assessments for this variant to ClinVar after 2014 without evidence for independent evaluation. All laboratories classified the variant as benign/likely benign. Based on the evidence outlined above, the variant was classified as benign.

Illumina Laboratory Services, Illumina
Classification: Benign for Arterial tortuosity syndrome. Last evaluated: 2018-01-13. Review status: criteria provided, single submitter. Criteria: ICSL Variant Classification Criteria 13 December 2019. Collection method: clinical testing. Allele origin: germline.
Comment: This variant was observed in the ICSL laboratory as part of a predisposition screen in an ostensibly healthy population. It had not been previously curated by ICSL or reported in the Human Gene Mutation Database (HGMD: prior to June 1st, 2018), and was therefore a candidate for classification through an automated scoring system. Utilizing variant allele frequency, disease prevalence and penetrance estimates, and inheritance mode, an automated score was calculated to assess if this variant is too frequent to cause the disease. Based on the score and internal cut-off values, a variant classified as benign is not then subjected to further curation. The score for this variant resulted in a classification of benign for this disease.

Genome Diagnostics Laboratory, University Medical Center Utrecht
Classification: Benign for Arterial tortuosity syndrome. Last evaluated: 2016-03-30. Review status: criteria provided, single submitter. Criteria: ACGS Guidelines, 2013. Collection method: clinical testing. Allele origin: germline. Affected: yes. Study: VKGL Data-share Consensus.

Mayo Clinic Laboratories, Mayo Clinic
Classification: Benign. Last evaluated: 2015-09-14. Review status: criteria provided, single submitter. Criteria: ACMG Guidelines, 2015. Collection method: clinical testing. Allele origin: germline. Observed: 31 variant alleles.

Ambry Genetics
Classification: Benign for Familial thoracic aortic aneurysm and aortic dissection. Last evaluated: 2015-04-02. Review status: criteria provided, single submitter. Criteria: Ambry Variant Classification Scheme 2023. Collection method: clinical testing. Allele origin: germline.

GeneDx
Classification: Benign. Last evaluated: 2013-04-15. Review status: criteria provided, single submitter. Criteria: GeneDx Variant Classification (06012015). Collection method: clinical testing. Allele origin: germline. Affected: yes.
Comment: This variant is considered likely benign or benign based on one or more of the following criteria: it is a conservative change, it occurs at a poorly conserved position in the protein, it is predicted to be benign by multiple in silico algorithms, and/or has population frequency not consistent with disease.

Breakthrough Genomics
Classification: Benign. Review status: criteria provided, single submitter. Criteria: ACMG Guidelines, 2015. Collection method: not provided. Allele origin: germline. Inheritance: Autosomal recessive inheritance. Affected: yes.

PreventionGenetics, part of Exact Sciences
Classification: Benign. Review status: criteria provided, single submitter. Criteria: ACMG Guidelines, 2015. Collection method: clinical testing. Allele origin: germline.

Genome Diagnostics Laboratory, Amsterdam University Medical Center
Classification: Benign for Arterial tortuosity syndrome. Last evaluated: 2014-02-04. Review status: no assertion criteria provided. Criteria: ACGS Guidelines, 2013. Collection method: clinical testing. Allele origin: germline. Affected: yes. Study: VKGL Data-share Consensus. Not counted in ClinVar's aggregate classification.

Laboratory of Diagnostic Genome Analysis, Leiden University Medical Center (LUMC)
Classification: Likely benign. Review status: no assertion criteria provided. Collection method: clinical testing. Allele origin: germline. Affected: yes. Study: VKGL Data-share Consensus. Not counted in ClinVar's aggregate classification.